The following is an entry in ClinVar:

GRCh38/hg38 22q13.2-13.31(chr22:42197923-47305564)x4

Genes: A4GALT (alpha 1,4-galactosyltransferase (P1PK blood group); minus strand), ARFGAP3 (ARF GTPase activating protein 3; minus strand), ARHGAP8 (Rho GTPase activating protein 8; plus strand), ATP5MGL (ATP synthase membrane subunit g like; minus strand), ATXN10 (ataxin 10; plus strand) and 300 more. Cytogenetic location: 22q13.2-13.31.
Variant type: copy number gain.
Change: copy number 4 of chr22:42,197,923-47,305,564 (5.11 Mb, GRCh38 coordinates, 1-based), cytogenetic band 22q13.2-13.31.
Identifiers: ClinVar variation 146215 (VCV000146215.2).

ClinVar aggregate classification (germline): Pathogenic (0 of 4 stars; one submission).

Submission:

ISCA site 1
Classification: Pathogenic. Last evaluated: 2011-05-06. Review status: no assertion criteria provided. Collection method: clinical testing. Allele origin: de novo. Affected: yes. Observed: 1 variant allele.
Comment: Copy number variation identified through the course of routine clinical cytogenomic testing in postnatal populations. Clinical assertions have been curated as described in Kaminsky et al. 2011.

Copy number variation identified through the course of routine clinical cytogenomic testing in postnatal populations. Clinical assertions have been curated as described in Kaminsky, et al. 2011 (PubMed 21844811). For additional ClinGen data, please see nstd37.